The following is an entry in ClinVar:

NM_005996.4(TBX3):c.1366A>G (p.Lys456Glu)

Gene: TBX3 (T-box transcription factor 3; minus strand). Cytogenetic location: 12q24.21.
Variant type: single nucleotide variant.
Coding change: c.1366A>G on transcript NM_005996.4 (MANE Select); coding-DNA position 1366, A replaced by G.
Protein change: p.Lys456Glu; replaces lysine 456 with glutamic acid.
Molecular consequence: missense variant.
Genome position (GRCh38, 1-based): chr12:114,674,509, T>C on the plus strand (A>G on the coding strand, the complement: TBX3 is on the minus strand). VCF-style: chr12-114674509-T-C. GRCh37 (hg19) VCF-style: chr12-115112314-T-C.
Other names: c.1426A>G, p.Lys476Glu (NM_016569.4); short protein forms K456E, K476E.
Identifiers: ClinVar variation 4982758 (VCV004982758.1).

ClinVar aggregate classification (germline): Uncertain significance (1 of 4 stars; one submission).

Conditions:
TBX3-related disorder. Also called: TBX3-related condition.

gnomAD v4.1: 1 of 1,512,158 alleles (0.000066%); highest among the groups gnomAD compares: Non-Finnish European, 0.000088%; no homozygotes.

Submission:

PreventionGenetics, part of Exact Sciences
Classification: Uncertain significance for TBX3-related condition. Last evaluated: 2025-03-20. Review status: criteria provided, single submitter. Criteria: ACMG Guidelines, 2015. Collection method: clinical testing. Allele origin: germline.
Comment: The TBX3 c.1426A>G variant is predicted to result in the amino acid substitution p.Lys476Glu. To our knowledge, this variant has not been reported in the literature or in a large population database (gnomAD), indicating this variant is rare. At this time, the clinical significance of this variant is uncertain due to the absence of conclusive functional and genetic evidence.